The following is an entry in ClinVar:

ClinVar aggregate classification (germline): Uncertain significance (1 of 4 stars; one submission).

Conditions:
Inborn genetic diseases. Identifiers: MedGen C0950123, MeSH D030342.

gnomAD v4.1: 5 of 1,611,900 alleles (0.00031%); highest among the groups gnomAD compares: Admixed American, 0.0033%; no homozygotes.

Submission:

Ambry Genetics
Classification: Uncertain significance for Inborn genetic diseases. Last evaluated: 2022-12-02. Review status: criteria provided, single submitter. Criteria: Ambry Variant Classification Scheme 2023. Collection method: clinical testing. Allele origin: germline.
Comment: The c.3716C>G (p.A1239G) alteration is located in exon 1 (coding exon 1) of the MN1 gene. This alteration results from a C to G substitution at nucleotide position 3716, causing the alanine (A) at amino acid position 1239 to be replaced by a glycine (G). Based on data from gnomAD, the G allele has an overall frequency of 0.001% (1/247570) total alleles studied. The highest observed frequency was 0.001% (/) of alleles. This amino acid position is poorly conserved in available vertebrate species. This alteration is predicted to be tolerated by in silico analysis. Based on insufficient or conflicting evidence, the clinical significance of this alteration remains unclear.

NM_002430.3(MN1):c.3716C>G (p.Ala1239Gly)

Gene: MN1 (MN1 proto-oncogene, transcriptional regulator; minus strand). Cytogenetic location: 22q12.1.
Variant type: single nucleotide variant.
Coding change: c.3716C>G on transcript NM_002430.3 (MANE Select); coding-DNA position 3716, C replaced by G.
Protein change: p.Ala1239Gly; replaces alanine 1239 with glycine.
Molecular consequence: missense variant.
Genome position (GRCh38, 1-based): chr22:27,796,828, G>C on the plus strand (C>G on the coding strand, the complement: MN1 is on the minus strand). VCF-style: chr22-27796828-G-C. GRCh37 (hg19) VCF-style: chr22-28192816-G-C.
Other names: short protein forms A1239G.
Identifiers: ClinVar variation 2332223 (VCV002332223.2), dbSNP rs1216829399, ClinGen allele CA411041661.
Genomic context (GRCh38, chr22:27,796,828, plus strand): 5'-TTGCTGTTGGGGTTCTGGGGTTTGGCCTTCTCCCAGGGCGCCAACGTCTTGTCGTCGTCC[G>C]CGCTGTCCACCAGGGCCTTGTCAGCGGGCATGTACCAGGCAGCGCTGTGCTCTGCCATCA-3'
Protein context (NP_002421.3, residues 1229-1249): MPADKALVDS[Ala1239Gly]DDDKTLAPWE